The following is an entry in ClinVar:

ClinVar aggregate classification (germline): Likely benign. Review status: criteria provided, multiple submitters, no conflicts (2 of 4 stars). 3 submissions from 3 submitters: Likely benign (3). Last evaluated 2026-01-26.

Conditions:
HOGA1-related disorder. Also called: HOGA1-related condition.

Allele frequency attached by ClinVar (database versions not stated): gnomAD exomes 0.00024.
gnomAD v4.1: 354 of 1,612,958 alleles (0.022%); highest among the groups gnomAD compares: Non-Finnish European, 0.028%; no homozygotes.

Submissions (3):

Labcorp Genetics (formerly Invitae), Labcorp
Classification: Likely benign. Last evaluated: 2026-01-26. Review status: criteria provided, single submitter. Criteria: Invitae Variant Classification Sherloc (09022015). Collection method: clinical testing. Allele origin: germline.

PreventionGenetics, part of Exact Sciences
Classification: Likely benign for HOGA1-related condition. Last evaluated: 2025-12-03. Review status: criteria provided, single submitter. Criteria: ACMG Guidelines, 2015. Collection method: clinical testing. Allele origin: germline.
Comment: This variant is classified as likely benign based on ACMG/AMP sequence variant interpretation guidelines (Richards et al. 2015 PMID: 25741868, with internal and published modifications).

Blueprint Genetics
Classification: Likely benign. Last evaluated: 2024-03-19. Review status: criteria provided, single submitter. Criteria: ACMG Guidelines, 2015. Collection method: clinical testing. Allele origin: germline.

NM_138413.4(HOGA1):c.795C>A (p.Ala265=)

Gene: HOGA1 (4-hydroxy-2-oxoglutarate aldolase 1; plus strand). Cytogenetic location: 10q24.2.
Variant type: single nucleotide variant.
Coding change: c.795C>A on transcript NM_138413.4 (MANE Select); coding-DNA position 795, C replaced by A.
Protein change: p.Ala265=; no amino-acid change (alanine 265 retained).
Molecular consequence: synonymous variant.
Genome position (GRCh38, 1-based): chr10:97,601,951, C>A. VCF-style: chr10-97601951-C-A. GRCh37 (hg19) VCF-style: chr10-99361708-C-A.
Other names: c.795C>A (NM_138413.3); c.306C>A, p.Ala102= (NM_001134670.2).
Identifiers: ClinVar variation 1159174 (VCV001159174.11), dbSNP rs375893064, ClinGen allele CA5634244.